The following is an entry in ClinVar:

NM_001142800.2(EYS):c.5836-1G>C

Gene: EYS (EGF-like photoreceptor maintenance factor; minus strand). Cytogenetic location: 6q12.
Variant type: single nucleotide variant.
Coding change: c.5836-1G>C on transcript NM_001142800.2 (MANE Select); the canonical splice acceptor site of the intron before coding-DNA position 5836, G replaced by C.
Molecular consequence: splice acceptor variant.
Genome position (GRCh38, 1-based): chr6:64,436,266, C>G on the plus strand (G>C on the coding strand, the complement: EYS is on the minus strand). VCF-style: chr6-64436266-C-G. GRCh37 (hg19) VCF-style: chr6-65146159-C-G.
Other names: c.5836-1G>C (NM_001292009.2).
Identifiers: ClinVar variation 1066963 (VCV001066963.11), dbSNP rs2150463984, ClinGen allele CA364392483.

ClinVar aggregate classification (germline): Pathogenic/Likely pathogenic. Review status: criteria provided, multiple submitters, no conflicts (2 of 4 stars). 3 submissions from 3 submitters: Pathogenic (1); Likely pathogenic (2). Last evaluated 2023-10-01.

Conditions:
Retinitis pigmentosa 25 (RP25). Identifiers: Orphanet 791, MedGen C1864446, MONDO:0011272, OMIM 602772.
Retinal dystrophy. Also called: Inherited retinal dystrophy. Identifiers: Orphanet 71862, MedGen C0854723, MeSH D058499, MONDO:0019118, HP:0000556.

Submissions (3):

Dept Of Ophthalmology, Nagoya University
Classification: Likely pathogenic for Retinal dystrophy. Last evaluated: 2023-10-01. Review status: criteria provided, single submitter. Criteria: Submitter's publication. Collection method: research. Allele origin: germline. Affected: yes.

3billion
Classification: Pathogenic for Retinitis pigmentosa 25. Last evaluated: 2023-08-17. Review status: criteria provided, single submitter. Criteria: ACMG Guidelines, 2015. Collection method: clinical testing. Allele origin: germline. Affected: yes.
Comment: The variant is not observed in the gnomAD v2.1.1 dataset. Predicted Consequence/Location: Canonical splice site: predicted to alter splicing and result in a loss or disruption of normal protein function. Multiple pathogenic loss-of-function variants are reported downstream of the variant. The variant has been reported to be associated with EYS related disorder (ClinVar ID: VCV001066963). Therefore, this variant is classified as Pathogenic according to the recommendation of ACMG/AMP guideline.

Labcorp Genetics (formerly Invitae), Labcorp
Classification: Likely pathogenic. Last evaluated: 2020-10-20. Review status: criteria provided, single submitter. Criteria: Invitae Variant Classification Sherloc (09022015). Collection method: clinical testing. Allele origin: germline.
Comment: This sequence change affects an acceptor splice site in intron 27 of the EYS gene. It is expected to disrupt RNA splicing. Variants that disrupt the donor or acceptor splice site typically lead to a loss of protein function (PMID: 16199547), and loss-of-function variants in EYS are known to be pathogenic (PMID: 18836446, 20333770). This variant is not present in population databases (ExAC no frequency). In summary, the currently available evidence indicates that the variant is pathogenic, but additional data are needed to prove that conclusively. Therefore, this variant has been classified as Likely Pathogenic. Algorithms developed to predict the effect of sequence changes on RNA splicing suggest that this variant may disrupt the consensus splice site, but this prediction has not been confirmed by published transcriptional studies. This variant has not been reported in the literature in individuals with EYS-related conditions.

Literature cited by the submitters: PubMed 16199547 (cited by Labcorp Genetics (formerly Invitae), Labcorp); PubMed 18836446 (cited by Labcorp Genetics (formerly Invitae), Labcorp); PubMed 20333770 (cited by Labcorp Genetics (formerly Invitae), Labcorp).